The following is an entry in ClinVar:

NM_001723.7(DST):c.4622T>C (p.Leu1541Ser)

Gene: DST (dystonin; minus strand). Cytogenetic location: 6p12.1.
Variant type: single nucleotide variant.
Coding change: c.4622T>C on transcript NM_001723.7 (MANE Plus Clinical); coding-DNA position 4622, T replaced by C.
Protein change: p.Leu1541Ser; replaces leucine 1541 with serine.
Molecular consequence: missense variant. On other transcripts: intron variant (10).
Genome position (GRCh38, 1-based): chr6:56,619,412, A>G on the plus strand (T>C on the coding strand, the complement: DST is on the minus strand). VCF-style: chr6-56619412-A-G. GRCh37 (hg19) VCF-style: chr6-56484210-A-G.
Other names: c.4831-4928T>C (NM_001144769.5); c.4930-4928T>C (NM_001374722.1, NM_001374736.1); c.4957-4928T>C (NM_001374734.1); c.4417-4928T>C (NM_001144770.2); c.4297-4928T>C (NM_001374730.1, NM_001386100.1, NM_183380.4 and 1 more transcripts); c.3319-4928T>C (NM_015548.5); short protein forms L1541S.
Identifiers: ClinVar variation 1014083 (VCV001014083.7), dbSNP rs755115874, ClinGen allele CA3870501.

ClinVar aggregate classification (germline): Uncertain significance (1 of 4 stars; one submission).

Conditions:
Hereditary sensory and autonomic neuropathy type 6. Also called: HSAN VI; Neuropathy, hereditary sensory and autonomic, type VI. Identifiers: Orphanet 314381, MedGen C3539003, MONDO:0013839, OMIM 614653.
Epidermolysis bullosa simplex 3, localized or generalized intermediate, with BP230 deficiency (EBS3). Also called: Epidermolysis bullosa simplex, autosomal recessive 2; Epidermolysis bullosa simplex due to BP230 deficiency. Identifiers: Orphanet 412181, MedGen C3809470, MONDO:0014180, OMIM 615425.

Allele frequency attached by ClinVar (database versions not stated): gnomAD exomes below 0.00001 and 0.00003; TOPMed below 0.00001; ExAC 0.00001; gnomAD 0.00001.
gnomAD v4.1: 43 of 1,613,074 alleles (0.0027%); highest among the groups gnomAD compares: Non-Finnish European, 0.0036%; no homozygotes.

Submission:

Labcorp Genetics (formerly Invitae), Labcorp
Classification: Uncertain significance for Epidermolysis bullosa simplex 3, localized or generalized intermediate, with BP230 deficiency; Hereditary sensory and autonomic neuropathy type 6. Last evaluated: 2021-04-29. Review status: criteria provided, single submitter. Criteria: Invitae Variant Classification Sherloc (09022015). Collection method: clinical testing. Allele origin: germline.
Comment: In summary, the available evidence is currently insufficient to determine the role of this variant in disease. Therefore, it has been classified as a Variant of Uncertain Significance. Algorithms developed to predict the effect of missense changes on protein structure and function (SIFT, PolyPhen-2, Align-GVGD) all suggest that this variant is likely to be disruptive, but these predictions have not been confirmed by published functional studies and their clinical significance is uncertain. This variant has not been reported in the literature in individuals with DST-related conditions. This variant is present in population databases (rs755115874, ExAC 0.002%). This sequence change replaces leucine with serine at codon 1541 of the DST protein (p.Leu1541Ser). The leucine residue is weakly conserved and there is a large physicochemical difference between leucine and serine.